The following is an entry in ClinVar:

ClinVar aggregate classification (germline): Uncertain significance (1 of 4 stars; one submission).

Submission:

Ambry Genetics
Classification: Uncertain significance. Last evaluated: 2025-03-20. Review status: criteria provided, single submitter. Criteria: Ambry Variant Classification Scheme 2023. Collection method: clinical testing. Allele origin: germline.
Comment: The p.V340A variant (also known as c.1019T>C), located in coding exon 8 of the RINT1 gene, results from a T to C substitution at nucleotide position 1019. The valine at codon 340 is replaced by alanine, an amino acid with similar properties. This amino acid position is conserved. In addition, the in silico prediction for this alteration is inconclusive. Based on the available evidence, the clinical significance of this variant remains unclear.

NM_021930.6(RINT1):c.1019T>C (p.Val340Ala)

Gene: RINT1 (RAD50 interactor 1; plus strand). Cytogenetic location: 7q22.3.
Variant type: single nucleotide variant.
Coding change: c.1019T>C on transcript NM_021930.6 (MANE Select); coding-DNA position 1019, T replaced by C.
Protein change: p.Val340Ala; replaces valine 340 with alanine.
Molecular consequence: missense variant. On other transcripts: 5 prime UTR variant (2), non-coding transcript variant (1).
Genome position (GRCh38, 1-based): chr7:105,550,077, T>C. VCF-style: chr7-105550077-T-C. GRCh37 (hg19) VCF-style: chr7-105190524-T-C.
Other names: c.785T>C, p.Val262Ala (NM_001346599.2); c.-5T>C (NM_001346600.2, NM_001346603.2); c.95T>C, p.Val32Ala (NM_001346601.2); short protein forms V262A, V32A, V340A.
Identifiers: ClinVar variation 3945972 (VCV003945972.1).
Genomic context (GRCh38, chr7:105,550,077, plus strand): 5'-ATGACTTAAGAATTCAAACTATTTTCCTCCTTCCTTAGCCAGAATGGTACTTGGCTCAAG[T>C]ACTTATGTGGATTGGAAACCATACTGAATTTCTGGATGAGAAGATTCAGCCAATATTAGA-3'
Protein context (NP_068749.3, residues 330-350): LSKPEWYLAQ[Val340Ala]LMWIGNHTEF